The following is an entry in ClinVar:

ClinVar aggregate classification (germline): Uncertain significance (1 of 4 stars; one submission).

Allele frequency attached by ClinVar (database versions not stated): TOPMed 0.00002.

Submission:

GeneDx
Classification: Uncertain significance. Last evaluated: 2022-03-04. Review status: criteria provided, single submitter. Criteria: GeneDx Variant Classification Process June 2021. Collection method: clinical testing. Allele origin: germline. Affected: yes.
Comment: Not observed at significant frequency in large population cohorts (gnomAD); In silico analysis supports that this missense variant does not alter protein structure/function; Has not been previously published as pathogenic or benign to our knowledge

NM_004082.5(DCTN1):c.1061C>G (p.Ala354Gly)

Gene: DCTN1 (dynactin subunit 1; minus strand). Cytogenetic location: 2p13.1.
Variant type: single nucleotide variant.
Coding change: c.1061C>G on transcript NM_004082.5 (MANE Select); coding-DNA position 1061, C replaced by G.
Protein change: p.Ala354Gly; replaces alanine 354 with glycine.
Molecular consequence: missense variant. On other transcripts: non-coding transcript variant (1).
Genome position (GRCh38, 1-based): chr2:74,370,532, G>C on the plus strand (C>G on the coding strand, the complement: DCTN1 is on the minus strand). VCF-style: chr2-74370532-G-C. GRCh37 (hg19) VCF-style: chr2-74597659-G-C.
Other names: c.1001C>G, p.Ala334Gly (NM_001135040.3); c.659C>G, p.Ala220Gly (NM_001135041.3, NM_023019.4); c.950C>G, p.Ala317Gly (NM_001190836.2); c.1040C>G, p.Ala347Gly (NM_001190837.2); c.1010C>G, p.Ala337Gly (NM_001378991.1); c.992C>G, p.Ala331Gly (NM_001378992.1); short protein forms A220G, A317G, A331G, A334G, A337G, A347G, A354G.
Identifiers: ClinVar variation 1703960 (VCV001703960.2), dbSNP rs1392666664, ClinGen allele CA347363445.